The following is an entry in ClinVar:

NM_025137.4(SPG11):c.6006+3A>G

Gene: SPG11 (SPG11 vesicle trafficking associated, spatacsin; minus strand). Cytogenetic location: 15q21.1.
Variant type: single nucleotide variant.
Coding change: c.6006+3A>G on transcript NM_025137.4 (MANE Select); 3 bases into the intron after coding-DNA position 6006, A replaced by G.
Molecular consequence: intron variant.
Genome position (GRCh38, 1-based): chr15:44,574,899, T>C on the plus strand (A>G on the coding strand, the complement: SPG11 is on the minus strand). VCF-style: chr15-44574899-T-C. GRCh37 (hg19) VCF-style: chr15-44867097-T-C.
Other names: c.5867-2079A>G (NM_001160227.2).
Identifiers: ClinVar variation 534886 (VCV000534886.15), dbSNP rs201717063, ClinGen allele CA7534295.

ClinVar aggregate classification (germline): Uncertain significance. Review status: criteria provided, multiple submitters, no conflicts (2 of 4 stars). 8 submissions from 6 submitters: Uncertain significance (8). Last evaluated 2024-06-17.

Conditions:
Hereditary spastic paraplegia 11. Also called: SPASTIC PARAPLEGIA, AUTOSOMAL RECESSIVE, COMPLICATED, WITH THIN CORPUS CALLOSUM; SPASTIC PARAPLEGIA, AUTOSOMAL RECESSIVE, WITH MENTAL IMPAIRMENT AND THIN CORPUS CALLOSUM; Spastic Paraplegia 11; Nakamura Osame syndrome; Autosomal recessive hereditary spastic paraplegia, mental impairment, and thin corpus callosum; Spastic paraplegia, mental retardation and thin corpus callosum. Identifiers: Orphanet 2822, MedGen C1858479, MONDO:0011445, OMIM 604360.
Charcot-Marie-Tooth disease axonal type 2X. Also called: CHARCOT-MARIE-TOOTH DISEASE, AXONAL, AUTOSOMAL RECESSIVE, TYPE 2X; CHARCOT-MARIE-TOOTH NEUROPATHY, TYPE 2X. Identifiers: Orphanet 466775, MedGen C5569024, MONDO:0014726, OMIM 616668.
Amyotrophic lateral sclerosis type 5 (ALS5). Also called: AMYOTROPHIC LATERAL SCLEROSIS 5, JUVENILE. Identifiers: Orphanet 300605, MedGen C1865864, MONDO:0011196, OMIM 602099.

Allele frequency attached by ClinVar (database versions not stated): ExAC 0.00001; gnomAD exomes 0.00001 and 0.00006; TOPMed 0.00003; gnomAD 0.00004 and 0.00005; 1000 Genomes Project 0.00020; 1000 Genomes Project 30x 0.00031.
gnomAD v4.1: 100 of 1,613,846 alleles (0.0062%); highest among the groups gnomAD compares: Non-Finnish European, 0.0078%; no homozygotes.

Submissions (8):

Women's Health and Genetics/Laboratory Corporation of America, LabCorp
Classification: Uncertain significance. Last evaluated: 2024-06-17. Review status: criteria provided, single submitter. Criteria: LabCorp Variant Classification Summary - May 2015. Collection method: clinical testing. Allele origin: germline.

Blueprint Genetics
Classification: Uncertain significance. Last evaluated: 2024-05-27. Review status: criteria provided, single submitter. Criteria: ACMG Guidelines, 2015. Collection method: clinical testing. Allele origin: germline.

Labcorp Genetics (formerly Invitae), Labcorp
Classification: Uncertain significance for Hereditary spastic paraplegia 11. Last evaluated: 2022-06-17. Review status: criteria provided, single submitter. Criteria: Invitae Variant Classification Sherloc (09022015). Collection method: clinical testing. Allele origin: germline.
Comment: This sequence change falls in intron 31 of the SPG11 gene. It does not directly change the encoded amino acid sequence of the SPG11 protein. It affects a nucleotide within the consensus splice site. This variant is present in population databases (rs201717063, gnomAD 0.002%). This variant has not been reported in the literature in individuals affected with SPG11-related conditions. ClinVar contains an entry for this variant (Variation ID: 534886). Variants that disrupt the consensus splice site are a relatively common cause of aberrant splicing (PMID: 17576681, 9536098). Algorithms developed to predict the effect of sequence changes on RNA splicing suggest that this variant is not likely to affect RNA splicing. In summary, the available evidence is currently insufficient to determine the role of this variant in disease. Therefore, it has been classified as a Variant of Uncertain Significance.

Mayo Clinic Laboratories, Mayo Clinic
Classification: Uncertain significance. Last evaluated: 2019-07-07. Review status: criteria provided, single submitter. Criteria: ACMG Guidelines, 2015. Collection method: clinical testing. Allele origin: germline. Observed: 1 variant allele.

Illumina Laboratory Services, Illumina
Classification: Uncertain significance for Hereditary spastic paraplegia 11. Last evaluated: 2018-01-12. Review status: criteria provided, single submitter. Criteria: ICSL Variant Classification Criteria 13 December 2019. Collection method: clinical testing. Allele origin: germline.

Genome-Nilou Lab
Classification: Uncertain significance for Amyotrophic lateral sclerosis type 5. Review status: criteria provided, single submitter. Criteria: ACMG Guidelines, 2015. Collection method: clinical testing. Allele origin: germline.

Genome-Nilou Lab
Classification: Uncertain significance for Charcot-Marie-Tooth disease axonal type 2X. Review status: criteria provided, single submitter. Criteria: ACMG Guidelines, 2015. Collection method: clinical testing. Allele origin: germline.

Genome-Nilou Lab
Classification: Uncertain significance for Hereditary spastic paraplegia 11. Review status: criteria provided, single submitter. Criteria: ACMG Guidelines, 2015. Collection method: clinical testing. Allele origin: germline.

Literature cited by the submitters: PubMed 17576681 (cited by Labcorp Genetics (formerly Invitae), Labcorp); PubMed 9536098 (cited by Labcorp Genetics (formerly Invitae), Labcorp).